The following is an entry in ClinVar:

ClinVar aggregate classification (germline): Pathogenic (1 of 4 stars; one submission).

Conditions:
Autosomal recessive distal spinal muscular atrophy 1. Also called: SEVERE INFANTILE AXONAL NEUROPATHY WITH RESPIRATORY FAILURE; SPINAL MUSCULAR ATROPHY, DIAPHRAGMATIC; Spinal muscular atrophy with respiratory distress 1; HMN VI; NEURONOPATHY, SEVERE INFANTILE AXONAL, WITH RESPIRATORY FAILURE; NEURONOPATHY, DISTAL HEREDITARY MOTOR, HARDING TYPE VI. Identifiers: Orphanet 98920, MedGen C1858517, MONDO:0011436, OMIM 604320.
Charcot-Marie-Tooth disease axonal type 2S. Also called: CHARCOT-MARIE-TOOTH NEUROPATHY, TYPE 2S; CHARCOT-MARIE-TOOTH DISEASE, AXONAL, AUTOSOMAL RECESSIVE, TYPE 2S. Identifiers: Orphanet 443073, MedGen C4015349, MONDO:0014511, OMIM 616155.

Submission:

Labcorp Genetics (formerly Invitae), Labcorp
Classification: Pathogenic for Autosomal recessive distal spinal muscular atrophy 1; Charcot-Marie-Tooth disease axonal type 2S. Last evaluated: 2023-10-29. Review status: criteria provided, single submitter. Criteria: Invitae Variant Classification Sherloc (09022015). Collection method: clinical testing. Allele origin: germline.
Comment: This sequence change creates a premature translational stop signal (p.Leu361Argfs*30) in the IGHMBP2 gene. It is expected to result in an absent or disrupted protein product. Loss-of-function variants in IGHMBP2 are known to be pathogenic (PMID: 14681881, 25439726, 25568292). This variant is not present in population databases (gnomAD no frequency). This variant has not been reported in the literature in individuals affected with IGHMBP2-related conditions. For these reasons, this variant has been classified as Pathogenic.

Literature cited by the submitters: PubMed 14681881; PubMed 25439726; PubMed 25568292.

NM_002180.3(IGHMBP2):c.1082del (p.Leu361fs)

Gene: IGHMBP2 (immunoglobulin mu DNA binding protein 2; plus strand). Cytogenetic location: 11q13.3.
Variant type: Deletion.
Coding change: c.1082del on transcript NM_002180.3 (MANE Select); coding-DNA position 1082, one base deleted (T; older notation c.1082delT).
Protein change: p.Leu361fs; shifts the reading frame from leucine 361.
Molecular consequence: frameshift variant.
Genome position (GRCh38, 1-based): chr11:68,929,204, T deleted. VCF-style (leftmost placement, unchanged base first): chr11-68929203-CT-C. GRCh37 (hg19) VCF-style: chr11-68696671-CT-C.
Other names: short protein forms L361fs.
Identifiers: ClinVar variation 2953384 (VCV002953384.3), dbSNP rs2496033440, ClinGen allele CA2740093114.
Genomic context (GRCh38, chr11:68,929,203, plus strand): 5'-GCTGTGCCCCTGGAGACTCCCGGCTCCCTGTTTCCACCAGGTGCGTCTGCCGATGGCCCC[CT>C]GAAGTTGCTGCCCGAGAGCTACTTCGACGTGGTGGTCATTGACGAGTGTGCCCAGGCCCT-3'